The following is an entry in ClinVar:

ClinVar aggregate classification (germline): Uncertain significance. Review status: criteria provided, multiple submitters, no conflicts (2 of 4 stars). 2 submissions from 2 submitters: Uncertain significance (2). Last evaluated 2024-04-15.

Conditions:
Inborn genetic diseases. Identifiers: MedGen C0950123, MeSH D030342.

Allele frequency attached by ClinVar (database versions not stated): gnomAD 0.00004; gnomAD exomes 0.00004; ExAC 0.00006.
gnomAD v4.1: 58 of 1,613,950 alleles (0.0036%); highest among the groups gnomAD compares: Non-Finnish European, 0.0027%; no homozygotes.

Submissions (2):

GeneDx
Classification: Uncertain significance. Last evaluated: 2024-04-15. Review status: criteria provided, single submitter. Criteria: GeneDx Variant Classification Process June 2021. Collection method: clinical testing. Allele origin: germline. Affected: yes.
Comment: In silico analysis indicates that this missense variant does not alter protein structure/function; Has not been previously published as pathogenic or benign to our knowledge

Ambry Genetics
Classification: Uncertain significance for Inborn genetic diseases. Last evaluated: 2023-04-11. Review status: criteria provided, single submitter. Criteria: Ambry Variant Classification Scheme 2023. Collection method: clinical testing. Allele origin: germline.

NM_005506.4(SCARB2):c.1406C>T (p.Ala469Val)

Gene: SCARB2 (scavenger receptor class B member 2; minus strand). Cytogenetic location: 4q21.1.
Variant type: single nucleotide variant.
Coding change: c.1406C>T on transcript NM_005506.4 (MANE Select); coding-DNA position 1406, C replaced by T.
Protein change: p.Ala469Val; replaces alanine 469 with valine.
Molecular consequence: missense variant.
Genome position (GRCh38, 1-based): chr4:76,161,744, G>A on the plus strand (C>T on the coding strand, the complement: SCARB2 is on the minus strand). VCF-style: chr4-76161744-G-A. GRCh37 (hg19) VCF-style: chr4-77082897-G-A.
Other names: c.977C>T, p.Ala326Val (NM_001204255.2); short protein forms A469V, A326V.
Identifiers: ClinVar variation 2536034 (VCV002536034.3), dbSNP rs752295374, ClinGen allele CA2970086.